The following is an entry in ClinVar:

NM_000465.4(BARD1):c.1392A>C (p.Pro464=)

Gene: BARD1 (BRCA1 associated RING domain 1; minus strand). Cytogenetic location: 2q35.
Variant type: single nucleotide variant.
Coding change: c.1392A>C on transcript NM_000465.4 (MANE Select); coding-DNA position 1392, A replaced by C.
Protein change: p.Pro464=; no amino-acid change (proline 464 retained).
Molecular consequence: synonymous variant. On other transcripts: non-coding transcript variant (3), intron variant (3).
Genome position (GRCh38, 1-based): chr2:214,769,235, T>G on the plus strand (A>C on the coding strand, the complement: BARD1 is on the minus strand). VCF-style: chr2-214769235-T-G. GRCh37 (hg19) VCF-style: chr2-215633959-T-G.
Other names: c.1335A>C, p.Pro445= (NM_001282543.2); c.159-16680A>C (NM_001282548.2); c.216-16680A>C (NM_001282545.2); c.364+23062A>C (NM_001282549.2).
Identifiers: ClinVar variation 1133195 (VCV001133195.13), dbSNP rs2106081063, ClinGen allele CA431130329.

ClinVar aggregate classification (germline): Benign/Likely benign. Review status: criteria provided, multiple submitters, no conflicts (2 of 4 stars). 3 submissions from 3 submitters: Benign (1); Likely benign (2). Last evaluated 2025-10-18.

Conditions:
Familial cancer of breast. Also called: hereditary breast carcinoma; Hereditary breast cancer; BREAST CANCER, FAMILIAL. Identifiers: Orphanet 227535, MedGen C0346153, MONDO:0016419, OMIM 114480. Disease mechanism: loss of function.
Hereditary cancer-predisposing syndrome. Also called: Neoplastic Syndromes, Hereditary; Hereditary Cancer Syndrome; Tumor predisposition; Hereditary neoplastic syndrome. Identifiers: Orphanet 140162, MedGen C0027672, MeSH D009386, MONDO:0015356.

Submissions (3):

Labcorp Genetics (formerly Invitae), Labcorp
Classification: Likely benign for Familial cancer of breast. Last evaluated: 2025-10-18. Review status: criteria provided, single submitter. Criteria: Invitae Variant Classification Sherloc (09022015). Collection method: clinical testing. Allele origin: germline.

Myriad Genetics, Inc.
Classification: Benign for Familial cancer of breast. Last evaluated: 2024-07-25. Review status: criteria provided, single submitter. Criteria: Myriad Autosomal Dominant, Autosomal Recessive and X-Linked Classification Criteria (2023). Collection method: clinical testing. Allele origin: unknown.
Comment: This variant is considered benign. This variant is a silent/synonymous amino acid change and it is not expected to impact splicing.

Ambry Genetics
Classification: Likely benign for Hereditary cancer-predisposing syndrome. Last evaluated: 2019-11-11. Review status: criteria provided, single submitter. Criteria: Ambry Variant Classification Scheme 2023. Collection method: clinical testing. Allele origin: germline.